The following is an entry in ClinVar:

NM_001735.3(C5):c.830A>G (p.Asp277Gly)

Gene: C5 (complement C5; minus strand). Cytogenetic location: 9q33.2.
Variant type: single nucleotide variant.
Coding change: c.830A>G on transcript NM_001735.3 (MANE Select); coding-DNA position 830, A replaced by G.
Protein change: p.Asp277Gly; replaces aspartic acid 277 with glycine.
Molecular consequence: missense variant.
Genome position (GRCh38, 1-based): chr9:121,027,203, T>C on the plus strand (A>G on the coding strand, the complement: C5 is on the minus strand). VCF-style: chr9-121027203-T-C. GRCh37 (hg19) VCF-style: chr9-123789481-T-C.
Other names: c.848A>G, p.Asp283Gly (NM_001317163.2); c.830A>G, p.Asp277Gly (NM_001317164.2); short protein forms D277G, D283G.
Identifiers: ClinVar variation 1425608 (VCV001425608.8), dbSNP rs1462885944, ClinGen allele CA374756461.
Genomic context (GRCh38, chr9:121,027,203, plus strand): 5'-GTGTCTTAACATCTTACCATTGTGTTTTGCATTGCTGTTTGCATCATTTCTTTTTGATCA[T>C]CTTTTAAGTCTTCTCTTATTCCAAATGTGATATAAACGTCAGCCTCAGTGACTACTTTAT-3'
Protein context (NP_001726.2, residues 267-287): ITFGIREDLK[Asp277Gly]DQKEMMQTAM

ClinVar aggregate classification (germline): Uncertain significance (1 of 4 stars; one submission).

Allele frequency attached by ClinVar (database versions not stated): gnomAD exomes below 0.00001.
gnomAD v4.1: 2 of 1,602,762 alleles (0.00012%); highest among the groups gnomAD compares: South Asian, 0.0022%; no homozygotes.

Submission:

Labcorp Genetics (formerly Invitae), Labcorp
Classification: Uncertain significance. Last evaluated: 2022-07-19. Review status: criteria provided, single submitter. Criteria: Invitae Variant Classification Sherloc (09022015). Collection method: clinical testing. Allele origin: germline.
Comment: This sequence change replaces aspartic acid, which is acidic and polar, with glycine, which is neutral and non-polar, at codon 277 of the C5 protein (p.Asp277Gly). The frequency data for this variant in the population databases is considered unreliable, as metrics indicate poor data quality at this position in the gnomAD database. In summary, the available evidence is currently insufficient to determine the role of this variant in disease. Therefore, it has been classified as a Variant of Uncertain Significance. Algorithms developed to predict the effect of sequence changes on RNA splicing suggest that this variant may disrupt the consensus splice site. Algorithms developed to predict the effect of missense changes on protein structure and function (SIFT, PolyPhen-2, Align-GVGD) all suggest that this variant is likely to be tolerated. ClinVar contains an entry for this variant (Variation ID: 1425608). This variant has not been reported in the literature in individuals affected with C5-related conditions.